The following is an entry in ClinVar:

NM_001189.4(NKX3-2):c.304G>T (p.Glu102Ter)

Gene: NKX3-2 (NK3 homeobox 2; minus strand). Cytogenetic location: 4p15.33.
Variant type: single nucleotide variant.
Coding change: c.304G>T on transcript NM_001189.4 (MANE Select); coding-DNA position 304, G replaced by T.
Protein change: p.Glu102Ter; replaces glutamic acid 102 with a stop codon.
Molecular consequence: nonsense.
Genome position (GRCh38, 1-based): chr4:13,544,111, C>A on the plus strand (G>T on the coding strand, the complement: NKX3-2 is on the minus strand). VCF-style: chr4-13544111-C-A. GRCh37 (hg19) VCF-style: chr4-13545735-C-A.
Other names: short protein forms E102*.
Identifiers: ClinVar variation 4806727 (VCV004806727.1).

ClinVar aggregate classification (germline): Pathogenic (1 of 4 stars; one submission).

Submission:

Labcorp Genetics (formerly Invitae), Labcorp
Classification: Pathogenic. Last evaluated: 2025-11-06. Review status: criteria provided, single submitter. Criteria: Invitae Variant Classification Sherloc (09022015). Collection method: clinical testing. Allele origin: germline.
Comment: This sequence change creates a premature translational stop signal (p.Glu102*) in the NKX3-2 gene. It is expected to result in an absent or disrupted protein product. Loss-of-function variants in NKX3-2 are known to be pathogenic (PMID: 20004766). This variant is not present in population databases (gnomAD no frequency). This variant has not been reported in the literature in individuals affected with NKX3-2-related conditions. For these reasons, this variant has been classified as Pathogenic.

Literature cited by the submitters: PubMed 20004766.